The following is an entry in ClinVar:

ClinVar aggregate classification (germline): Uncertain significance. Review status: criteria provided, multiple submitters, no conflicts (2 of 4 stars). 2 submissions from 2 submitters: Uncertain significance (2). Last evaluated 2022-03-03.

Conditions:
Inborn genetic diseases. Identifiers: MedGen C0950123, MeSH D030342.

gnomAD v4.1: 3 of 1,536,512 alleles (0.0002%); highest among the groups gnomAD compares: Non-Finnish European, 0.00026%; no homozygotes.

Submissions (2):

Ambry Genetics
Classification: Uncertain significance for Inborn genetic diseases. Last evaluated: 2022-03-03. Review status: criteria provided, single submitter. Criteria: Ambry Variant Classification Scheme 2023. Collection method: clinical testing. Allele origin: germline.
Comment: The p.A6P variant (also known as c.16G>C), located in coding exon 1 of the MDH2 gene, results from a G to C substitution at nucleotide position 16. The alanine at codon 6 is replaced by proline, an amino acid with highly similar properties. This amino acid position is conserved. In addition, this alteration is predicted to be tolerated by in silico analysis. Since supporting evidence is limited at this time, the clinical significance of this alteration remains unclear.

Labcorp Genetics (formerly Invitae), Labcorp
Classification: Uncertain significance. Last evaluated: 2021-06-29. Review status: criteria provided, single submitter. Criteria: Invitae Variant Classification Sherloc (09022015). Collection method: clinical testing. Allele origin: germline.
Comment: This sequence change replaces alanine with proline at codon 6 of the MDH2 protein (p.Ala6Pro). The alanine residue is weakly conserved and there is a small physicochemical difference between alanine and proline. The frequency data for this variant in the population databases is considered unreliable, as metrics indicate insufficient coverage at this position in the ExAC database. This variant has not been reported in the literature in individuals affected with MDH2-related conditions. Algorithms developed to predict the effect of missense changes on protein structure and function are either unavailable or do not agree on the potential impact of this missense change (SIFT: "Tolerated"; PolyPhen-2: "Not Available"; Align-GVGD: "Class C0"). In summary, the available evidence is currently insufficient to determine the role of this variant in disease. Therefore, it has been classified as a Variant of Uncertain Significance.

NM_005918.4(MDH2):c.16G>C (p.Ala6Pro)

Gene: MDH2 (malate dehydrogenase 2; plus strand). Cytogenetic location: 7q11.23.
Variant type: single nucleotide variant.
Coding change: c.16G>C on transcript NM_005918.4 (MANE Select); coding-DNA position 16, G replaced by C.
Protein change: p.Ala6Pro; replaces alanine 6 with proline.
Molecular consequence: missense variant. On other transcripts: 5 prime UTR variant (1), non-coding transcript variant (1).
Genome position (GRCh38, 1-based): chr7:76,048,176, G>C. VCF-style: chr7-76048176-G-C. GRCh37 (hg19) VCF-style: chr7-75677494-G-C.
Other names: c.16G>C, p.Ala6Pro (NM_001282403.2); c.-137G>C (NM_001282404.2); short protein forms A6P.
Identifiers: ClinVar variation 1364616 (VCV001364616.10), dbSNP rs11538800, ClinGen allele CA367760038.